The following is an entry in ClinVar:

NM_206538.4(EMC10):c.349G>A (p.Gly117Arg)

Gene: EMC10 (ER membrane protein complex subunit 10; plus strand). Cytogenetic location: 19q13.33.
Variant type: single nucleotide variant.
Coding change: c.349G>A on transcript NM_206538.4 (MANE Select); coding-DNA position 349, G replaced by A.
Protein change: p.Gly117Arg; replaces glycine 117 with arginine.
Molecular consequence: missense variant.
Genome position (GRCh38, 1-based): chr19:50,480,162, G>A. VCF-style: chr19-50480162-G-A. GRCh37 (hg19) VCF-style: chr19-50983419-G-A.
Other names: c.349G>A, p.Gly117Arg (NM_175063.6); short protein forms G117R.
Identifiers: ClinVar variation 2650342 (VCV002650342.24), dbSNP rs140693786, ClinGen allele CA9599029.
Genomic context (GRCh38, chr19:50,480,162, plus strand): 5'-CATCCCCAGGATGTGGCAGCCCTGAATGGCCTGTACCGGGTCCGGATCCCAAGGCGACCC[G>A]GGGCCCTGGATGGCCTGGAAGCTGGTGGCTATGTCTCCTCCTTTGTCCCTGCGGTGAGTT-3'
Protein context (NP_996261.1, residues 107-127): LYRVRIPRRP[Gly117Arg]ALDGLEAGGY

ClinVar aggregate classification (germline): Likely benign (1 of 4 stars; one submission).

Allele frequency attached by ClinVar (database versions not stated): 1000 Genomes Project 0.00140; 1000 Genomes Project 30x 0.00141; TOPMed 0.00223; gnomAD 0.00307; ESP Exome Variant Server 0.00323; ExAC 0.00342; gnomAD exomes 0.00362.
gnomAD v4.1: 5,707 of 1,613,746 alleles (0.35%); highest among the groups gnomAD compares: Non-Finnish European, 0.4%; 14 homozygotes.

Submission:

CeGaT Center for Human Genetics Tuebingen
Classification: Likely benign. Last evaluated: 2026-07-01. Review status: criteria provided, single submitter. Criteria: CeGaT Center For Human Genetics Tuebingen Variant Classification Criteria Version 2. Collection method: clinical testing. Allele origin: germline. Affected: yes. Observed: 7 variant alleles.
Comment: EMC10: BS2